The following is an entry in ClinVar:

ClinVar aggregate classification (germline): Pathogenic/Likely pathogenic. Review status: criteria provided, multiple submitters, no conflicts (2 of 4 stars). 3 submissions from 3 submitters: Pathogenic (2); Likely pathogenic (1). Last evaluated 2026-01-29.

Conditions:
ABCA4-related disorder. Also called: ABCA4-related condition; ABCA4-related disorders. Identifiers: MedGen CN239167.

Allele frequency attached by ClinVar (database versions not stated): gnomAD 0.00001; TOPMed 0.00001.

Submissions (3):

Labcorp Genetics (formerly Invitae), Labcorp
Classification: Pathogenic. Last evaluated: 2026-01-29. Review status: criteria provided, single submitter. Criteria: Invitae Variant Classification Sherloc (09022015). Collection method: clinical testing. Allele origin: germline.
Comment: This sequence change replaces leucine, which is neutral and non-polar, with proline, which is neutral and non-polar, at codon 510 of the ABCA4 protein (p.Leu510Pro). This variant is not present in population databases (gnomAD no frequency). This missense change has been observed in individual(s) with Stargardt disease or cone-rod dystrophy (PMID: 29925512; internal data). In at least one individual the data is consistent with being in trans (on the opposite chromosome) from a pathogenic variant. ClinVar contains an entry for this variant (Variation ID: 265011). Invitae Evidence Modeling of protein sequence and biophysical properties (such as structural, functional, and spatial information, amino acid conservation, physicochemical variation, residue mobility, and thermodynamic stability) indicates that this missense variant is expected to disrupt ABCA4 protein function with a positive predictive value of 95%. This variant disrupts the p.Leu510 amino acid residue in ABCA4. Other variant(s) that disrupt this residue have been determined to be pathogenic (PMID: 22229821, 24713488, 30718709). This suggests that this residue is clinically significant, and that variants that disrupt this residue are likely to be disease-causing. For these reasons, this variant has been classified as Pathogenic.

GeneDx
Classification: Likely pathogenic. Last evaluated: 2022-01-24. Review status: criteria provided, single submitter. Criteria: GeneDx Variant Classification Process June 2021. Collection method: clinical testing. Allele origin: germline. Affected: yes.
Comment: Not observed at significant frequency in large population cohorts (gnomAD); In silico analysis supports that this missense variant has a deleterious effect on protein structure/function; This variant is associated with the following publications: (PMID: 29925512, 28005406)

Blueprint Genetics
Classification: Pathogenic for ABCA4-related disorders. Last evaluated: 2021-11-12. Review status: criteria provided, single submitter. Criteria: ACMG Guidelines, 2015. Collection method: clinical testing. Allele origin: germline. Affected: yes. Observed: 3 variant alleles.

Literature cited by the submitters: PubMed 29925512 (cited by Labcorp Genetics (formerly Invitae), Labcorp); PubMed 22229821 (cited by Labcorp Genetics (formerly Invitae), Labcorp); PubMed 24713488 (cited by Labcorp Genetics (formerly Invitae), Labcorp); PubMed 30718709 (cited by Labcorp Genetics (formerly Invitae), Labcorp).

NM_000350.3(ABCA4):c.1529T>C (p.Leu510Pro)

Gene: ABCA4 (ATP binding cassette subfamily A member 4; minus strand). Cytogenetic location: 1p22.1.
Variant type: single nucleotide variant.
Coding change: c.1529T>C on transcript NM_000350.3 (MANE Select); coding-DNA position 1529, T replaced by C.
Protein change: p.Leu510Pro; replaces leucine 510 with proline.
Molecular consequence: missense variant.
Genome position (GRCh38, 1-based): chr1:94,077,715, A>G on the plus strand (T>C on the coding strand, the complement: ABCA4 is on the minus strand). VCF-style: chr1-94077715-A-G. GRCh37 (hg19) VCF-style: chr1-94543271-A-G.
Other names: c.1529T>C, p.Leu510Pro (NM_001425324.1); short protein forms L510P.
Identifiers: ClinVar variation 265011 (VCV000265011.13), dbSNP rs886039299, ClinGen allele CA10588303.